The following is an entry in ClinVar:

ClinVar aggregate classification (germline): Likely benign. Review status: criteria provided, multiple submitters, no conflicts (2 of 4 stars). 3 submissions from 3 submitters: Likely benign (3). Last evaluated 2025-11-12.

Conditions:
Marfan syndrome (MFS). Also called: MARFAN SYNDROME, TYPE I; Marfan syndrome type 1; Marfan's syndrome; Marfan syndrome, classic; FBN1-Related Marfan Syndrome. Identifiers: Orphanet 284963, Orphanet 558, MedGen C0024796, MONDO:0007947, OMIM 154700.
Familial thoracic aortic aneurysm and aortic dissection (TAAD). Also called: Thoracic aortic aneurysms and dissections. Identifiers: Orphanet 91387, MedGen C4707243, MONDO:0019625.

Allele frequency attached by ClinVar (database versions not stated): gnomAD exomes 0.00001.
gnomAD v4.1: 8 of 1,614,148 alleles (0.0005%); highest among the groups gnomAD compares: South Asian, 0.0055%; no homozygotes.

Submissions (3):

Labcorp Genetics (formerly Invitae), Labcorp
Classification: Likely benign for Marfan syndrome; Familial thoracic aortic aneurysm and aortic dissection. Last evaluated: 2025-11-12. Review status: criteria provided, single submitter. Criteria: Invitae Variant Classification Sherloc (09022015). Collection method: clinical testing. Allele origin: germline.

Women's Health and Genetics/Laboratory Corporation of America, LabCorp
Classification: Likely benign. Last evaluated: 2024-03-12. Review status: criteria provided, single submitter. Criteria: LabCorp Variant Classification Summary - May 2015. Collection method: clinical testing. Allele origin: germline.
Comment: Variant summary: FBN1 c.988+13A>G alters a non-conserved nucleotide located at a position not widely known to affect splicing. Consensus agreement among computation tools predict no significant impact on normal splicing. However, these predictions have yet to be confirmed by functional studies. The variant allele was found at a frequency of 8e-06 in 251400 control chromosomes. The available data on variant occurrences in the general population are insufficient to allow any conclusion about variant significance. To our knowledge, no occurrence of c.988+13A>G in individuals affected with Marfan Syndrome and no experimental evidence demonstrating its impact on protein function have been reported. No submitters have cited clinical-significance assessments for this variant to ClinVar. Based on the evidence outlined above, the variant was classified as likely benign.

Blueprint Genetics
Classification: Likely benign. Last evaluated: 2023-11-28. Review status: criteria provided, single submitter. Criteria: ACMG Guidelines, 2015. Collection method: clinical testing. Allele origin: germline.

NM_000138.5(FBN1):c.988+13A>G

Gene: FBN1 (fibrillin 1; minus strand). Cytogenetic location: 15q21.1.
Variant type: single nucleotide variant.
Coding change: c.988+13A>G on transcript NM_000138.5 (MANE Select); 13 bases into the intron after coding-DNA position 988, A replaced by G.
Molecular consequence: intron variant.
Genome position (GRCh38, 1-based): chr15:48,526,117, T>C on the plus strand (A>G on the coding strand, the complement: FBN1 is on the minus strand). VCF-style: chr15-48526117-T-C. GRCh37 (hg19) VCF-style: chr15-48818314-T-C.
Other names: c.988+13A>G (NM_001406716.1).
Identifiers: ClinVar variation 2949837 (VCV002949837.6), dbSNP rs965027795, ClinGen allele CA269566882.